The following is an entry in ClinVar:

NM_013450.4(BAZ2B):c.2236C>T (p.Arg746Cys)

Gene: BAZ2B (bromodomain adjacent to zinc finger domain 2B; minus strand). Cytogenetic location: 2q24.2.
Variant type: single nucleotide variant.
Coding change: c.2236C>T on transcript NM_013450.4 (MANE Select); coding-DNA position 2236, C replaced by T.
Protein change: p.Arg746Cys; replaces arginine 746 with cysteine.
Molecular consequence: missense variant.
Genome position (GRCh38, 1-based): chr2:159,429,219, G>A on the plus strand (C>T on the coding strand, the complement: BAZ2B is on the minus strand). VCF-style: chr2-159429219-G-A. GRCh37 (hg19) VCF-style: chr2-160285730-G-A.
Other names: c.2230C>T, p.Arg744Cys (NM_001289975.1); c.2047C>T, p.Arg683Cys (NM_001329857.2); c.2236C>T, p.Arg746Cys (NM_001329858.2); short protein forms R744C, R683C, R746C.
Identifiers: ClinVar variation 5032825 (VCV005032825.1).
Genomic context (GRCh38, chr2:159,429,219, plus strand): 5'-ATATGGGGGAAAAAGAAAAAGGAAAACCTTATTTTGCATACCCATATTCCAATGGAATAC[G>A]CAGTTCACGTTCATCTGTTACTCTTCTTCTTTTGGAAGTGCCTTTAAAAAAATTCAATTG-3'
Protein context (NP_038478.2, residues 736-756): RRRVTDEREL[Arg746Cys]IPLEYGWQRE

ClinVar aggregate classification (germline): Uncertain significance (1 of 4 stars; one submission).

Conditions:
Inborn genetic diseases. Identifiers: MedGen C0950123, MeSH D030342.

gnomAD v4.1: 10 of 1,560,654 alleles (0.00064%); highest among the groups gnomAD compares: Admixed American, 0.0052%; 1 homozygote.

Submission:

Ambry Genetics
Classification: Uncertain significance for Inborn genetic diseases. Last evaluated: 2026-07-13. Review status: criteria provided, single submitter. Criteria: Ambry Variant Classification Scheme 2023. Collection method: clinical testing. Allele origin: germline.
Comment: The c.2236C>T (p.R746C) alteration is located in exon 11 (coding exon 9) of the BAZ2B gene. This alteration results from a C to T substitution at nucleotide position 2236, causing the arginine (R) at amino acid position 746 to be replaced by a cysteine (C). Based on data from gnomAD, the T allele has an overall frequency of <0.001% (1/242394) total alleles studied. The highest observed frequency was 0.003% (1/32374) of Latino alleles. Based on insufficient or conflicting evidence, the clinical significance of this alteration remains unclear.